The following is an entry in ClinVar:

ClinVar aggregate classification (germline): Likely pathogenic (1 of 4 stars; one submission).

Conditions:
Chopra-Amiel-Gordon syndrome (CAGS). Also called: ANKRD17-Related Neurodevelopmental Syndrome. Identifiers: MedGen C5561975, MONDO:0859186, OMIM 619504.

Submission:

SIB Swiss Institute of Bioinformatics
Classification: Likely pathogenic for Chopra-Amiel-Gordon syndrome. Last evaluated: 2022-03-01. Review status: criteria provided, single submitter. Criteria: ACMG Guidelines, 2015. Collection method: curation. Allele origin: unknown.
Comment: This variant is interpreted as a likely pathogenic for Chopra-Amiel-Gordon syndrome, autosomal dominant. The following ACMG Tag(s) were applied: Absent from controls (or at extremely low frequency if recessive) in Exome Sequencing Project, 1000 Genomes Project, or Exome Aggregation Consortium (PM2); De novo (paternity and maternity confirmed) (PS2); Multiple lines of computational evidence support a deleterious effect on the gene or gene product (PP3); Missense variant in a gene that has a low rate of benign missense variation and in which missense variants are a common mechanism of disease (PP2).

Literature cited by the submitters: PubMed 33909992.

NM_032217.5(ANKRD17):c.3359T>G (p.Leu1120Arg)

Gene: ANKRD17 (ankyrin repeat domain 17; minus strand). Cytogenetic location: 4q13.3.
Variant type: single nucleotide variant.
Coding change: c.3359T>G on transcript NM_032217.5 (MANE Select); coding-DNA position 3359, T replaced by G.
Protein change: p.Leu1120Arg; replaces leucine 1120 with arginine.
Molecular consequence: missense variant.
Genome position (GRCh38, 1-based): chr4:73,125,046, A>C on the plus strand (T>G on the coding strand, the complement: ANKRD17 is on the minus strand). VCF-style: chr4-73125046-A-C. GRCh37 (hg19) VCF-style: chr4-73990763-A-C.
Other names: c.3020T>G, p.Leu1007Arg (NM_001286771.3); c.3356T>G, p.Leu1119Arg (NM_015574.2); c.2606T>G, p.Leu869Arg (NM_198889.3); short protein forms L1007R, L1119R, L1120R, L869R.
Identifiers: ClinVar variation 1342981 (VCV001342981.1), dbSNP rs2148719956, ClinGen allele CA357217310.